The following is an entry in ClinVar:

ClinVar aggregate classification (germline): Likely pathogenic (1 of 4 stars; one submission).

Conditions:
Primary ciliary dyskinesia 9. Also called: CILIARY DYSKINESIA, PRIMARY, 9, WITH OR WITHOUT SITUS INVERSUS. Identifiers: Orphanet 244, MedGen C2676235, MONDO:0012906, OMIM 612444.

Allele frequency attached by ClinVar (database versions not stated): ExAC 0.00001.

Submission:

Women's Health and Genetics/Laboratory Corporation of America, LabCorp
Classification: Likely pathogenic for Primary ciliary dyskinesia 9. Last evaluated: 2023-07-14. Review status: criteria provided, single submitter. Criteria: LabCorp Variant Classification Summary - May 2015. Collection method: clinical testing. Allele origin: germline.
Comment: Variant summary: DNAI2 c.987+1G>A is located in a canonical splice-site and is predicted to affect mRNA splicing resulting in a significantly altered protein due to either exon skipping, shortening, or inclusion of intronic material. Several computational tools predict a significant impact on normal splicing: Four predict the variant abolishes a canonical 5' splicing donor site. However, these predictions have yet to be confirmed by functional studies. The variant allele was found at a frequency of 4e-06 in 251474 control chromosomes (gnomAD). To our knowledge, no occurrence of c.987+1G>A in individuals affected with Primary ciliary dyskinesia 9 and no experimental evidence demonstrating its impact on protein function have been reported. No submitters have cited clinical-significance assessments for this variant to ClinVar after 2014. Based on the evidence outlined above, the variant was classified as likely pathogenic.

NM_023036.6(DNAI2):c.987+1G>A

Gene: DNAI2 (dynein axonemal intermediate chain 2; plus strand). Cytogenetic location: 17q25.1.
Variant type: single nucleotide variant.
Coding change: c.987+1G>A on transcript NM_023036.6 (MANE Select); the canonical splice donor site of the intron after coding-DNA position 987, G replaced by A.
Molecular consequence: splice donor variant.
Genome position (GRCh38, 1-based): chr17:74,301,169, G>A. VCF-style: chr17-74301169-G-A. GRCh37 (hg19) VCF-style: chr17-72297308-G-A.
Other names: c.987+1G>A (NM_001353167.2, NM_001172810.3).
Identifiers: ClinVar variation 2577156 (VCV002577156.1), dbSNP rs766662586, ClinGen allele CA8745558.